The following is an entry in ClinVar:

ClinVar aggregate classification (germline): Uncertain significance (1 of 4 stars; one submission).

Submission:

CeGaT Center for Human Genetics Tuebingen
Classification: Uncertain significance. Last evaluated: 2024-02-01. Review status: criteria provided, single submitter. Criteria: CeGaT Center For Human Genetics Tuebingen Variant Classification Criteria Version 2. Collection method: clinical testing. Allele origin: germline. Affected: yes. Observed: 1 variant allele.
Comment: MBD5: PM2, BP4

NM_001378120.1(MBD5):c.4352A>C (p.His1451Pro)

Gene: MBD5 (methyl-CpG binding domain protein 5; plus strand). Cytogenetic location: 2q23.1.
Variant type: single nucleotide variant.
Coding change: c.4352A>C on transcript NM_001378120.1 (MANE Select); coding-DNA position 4352, A replaced by C.
Protein change: p.His1451Pro; replaces histidine 1451 with proline.
Molecular consequence: missense variant.
Genome position (GRCh38, 1-based): chr2:148,489,984, A>C. VCF-style: chr2-148489984-A-C. GRCh37 (hg19) VCF-style: chr2-149247553-A-C.
Other names: c.3653A>C, p.His1218Pro (NM_018328.5); short protein forms H1218P, H1451P.
Identifiers: ClinVar variation 3026142 (VCV003026142.22), dbSNP rs2105128727, ClinGen allele CA348729026.
Genomic context (GRCh38, chr2:148,489,984, plus strand): 5'-ACGGGGAGCAAAGCCCCAGAGGGGAGCGAAACAGGTGGAAGTACGAGGAATTTTTAGATC[A>C]TCCAGGCCATATCCACAGTAGTCCTTGTCATGAAAGGCCCAACAATGTCTCTACACTGCC-3'
Protein context (NP_001365049.1, residues 1441-1461): NRWKYEEFLD[His1451Pro]PGHIHSSPCH